The following is an entry in ClinVar:

ClinVar aggregate classification (germline): Likely benign (1 of 4 stars; one submission).

Conditions:
Long QT syndrome (LQTS). Identifiers: MedGen C0023976, MeSH D008133, MONDO:0002442. Disease mechanism: loss of function. Inheritance: Various modes of inheritance.

Submission:

All of Us Research Program, National Institutes of Health
Classification: Likely benign for Long QT syndrome. Last evaluated: 2024-05-30. Review status: criteria provided, single submitter. Criteria: ACMG Guidelines, 2015. Collection method: clinical testing. Allele origin: germline. Inheritance: Autosomal dominant inheritance. Observed: 1 variant allele, 1 heterozygote.
Comment: This study involves interpretation of variants in research participants for the purpose of population health screening. Participant phenotype was not available at the time of variant classification. Additional details can be found in publication PMID: 35346344, PMCID: PMC8962531

NM_000218.3(KCNQ1):c.1413G>A (p.Leu471=)

Genes: KCNQ1 (potassium voltage-gated channel subfamily Q member 1; plus strand), KCNQ1OT1 (KCNQ1 opposite strand/antisense transcript 1; minus strand). Cytogenetic location: 11p15.5.
Variant type: single nucleotide variant.
Coding change: c.1413G>A on transcript NM_000218.3 (MANE Select); coding-DNA position 1413, G replaced by A.
Protein change: p.Leu471=; no amino-acid change (leucine 471 retained).
Molecular consequence: synonymous variant. On other transcripts: non-coding transcript variant (1).
Genome position (GRCh38, 1-based): chr11:2,661,980, G>A. VCF-style: chr11-2661980-G-A. GRCh37 (hg19) VCF-style: chr11-2683210-G-A.
Other names: c.1317G>A, p.Leu439= (NM_001406836.1); c.1143G>A, p.Leu381= (NM_001406837.1); c.873G>A, p.Leu291= (NM_001406838.1); c.1032G>A, p.Leu344= (NM_181798.2).
Identifiers: ClinVar variation 3386939 (VCV003386939.1).